The following is an entry in ClinVar:

ClinVar aggregate classification (germline): Uncertain significance (1 of 4 stars; one submission).

Conditions:
Isolated microphthalmia 5. Also called: Posterior Microphthalmia with Retinitis Pigmentosa, Foveoschisis, and Optic Disc Drusen. Identifiers: Orphanet 251279, MedGen C1970236, MONDO:0012605, OMIM 611040.

Allele frequency attached by ClinVar (database versions not stated): gnomAD exomes 0.00001; TOPMed 0.00001; ExAC 0.00001; gnomAD 0.00001.
gnomAD v4.1: 4 of 1,613,402 alleles (0.00025%); highest among the groups gnomAD compares: Admixed American, 0.0017%; no homozygotes.

Submission:

Labcorp Genetics (formerly Invitae), Labcorp
Classification: Uncertain significance for Isolated microphthalmia 5. Last evaluated: 2022-06-20. Review status: criteria provided, single submitter. Criteria: Invitae Variant Classification Sherloc (09022015). Collection method: clinical testing. Allele origin: germline.
Comment: Algorithms developed to predict the effect of missense changes on protein structure and function are either unavailable or do not agree on the potential impact of this missense change (SIFT: "Deleterious"; PolyPhen-2: "Probably Damaging"; Align-GVGD: "Class C0"). In summary, the available evidence is currently insufficient to determine the role of this variant in disease. Therefore, it has been classified as a Variant of Uncertain Significance. This variant has not been reported in the literature in individuals affected with MFRP-related conditions. This variant is present in population databases (rs750567143, gnomAD 0.003%). This sequence change replaces valine, which is neutral and non-polar, with alanine, which is neutral and non-polar, at codon 361 of the MFRP protein (p.Val361Ala).

NM_031433.4(MFRP):c.1082T>C (p.Val361Ala)

Genes: C1QTNF5 (C1q and TNF related 5; minus strand), MFRP (membrane frizzled-related protein; minus strand). Cytogenetic location: 11q23.3.
Variant type: single nucleotide variant.
Coding change: c.1082T>C on transcript NM_031433.4 (MANE Select); coding-DNA position 1082, T replaced by C.
Protein change: p.Val361Ala; replaces valine 361 with alanine.
Molecular consequence: missense variant. On other transcripts: 5 prime UTR variant (1).
Genome position (GRCh38, 1-based): chr11:119,343,858, A>G on the plus strand (T>C on the coding strand, the complement: MFRP is on the minus strand). VCF-style: chr11-119343858-A-G. GRCh37 (hg19) VCF-style: chr11-119214568-A-G.
Other names: c.-1555T>C (NM_015645.5); short protein forms V361A.
Identifiers: ClinVar variation 1428971 (VCV001428971.8), dbSNP rs750567143, ClinGen allele CA6320265.